The following is an entry in ClinVar:

ClinVar aggregate classification (germline): Pathogenic/Likely pathogenic. Review status: criteria provided, multiple submitters, no conflicts (2 of 4 stars). 5 submissions from 5 submitters: Pathogenic (3); Likely pathogenic (1). 1 of the submissions does not count toward it. Last evaluated 2023-08-10.

Conditions:
RP1-related disorder. Also called: RP1-related condition.
Retinitis pigmentosa 1 (RP1). Identifiers: Orphanet 791, MedGen C0220701, MONDO:0008377, OMIM 180100.

Submissions (5):

Labcorp Genetics (formerly Invitae), Labcorp
Classification: Pathogenic. Last evaluated: 2023-08-10. Review status: criteria provided, single submitter. Criteria: Invitae Variant Classification Sherloc (09022015). Collection method: clinical testing. Allele origin: germline.
Comment: ClinVar contains an entry for this variant (Variation ID: 5968). For these reasons, this variant has been classified as Pathogenic. This variant disrupts the C-terminus of the RP1 protein. Many variants that disrupt this region have been reported in individuals with either autosomal dominant or autosomal recessive retinitis pigmentosa (PMID: 11527933, 19933189, 29425069, 30027431, 33681214). Therefore, variants that disrupt this region are expected to be disease-causing. This premature translational stop signal has been observed in individual(s) with autosomal dominant retinitis pigmentosa (PMID: 10391212). It has also been observed to segregate with disease in related individuals. This variant is not present in population databases (gnomAD no frequency). This sequence change creates a premature translational stop signal (p.Gln679*) in the RP1 gene. While this is not anticipated to result in nonsense mediated decay, it is expected to disrupt the last 1478 amino acid(s) of the RP1 protein.

GeneDx
Classification: Likely pathogenic. Last evaluated: 2022-08-18. Review status: criteria provided, single submitter. Criteria: GeneDx Variant Classification Process June 2021. Collection method: clinical testing. Allele origin: germline. Affected: yes.
Comment: Nonsense variant in the C-terminus predicted to result in protein truncation, as the last 1478 amino acids are lost, and other loss-of-function variants have been reported downstream in the Human Gene Mutation Database (HGMD); Not observed at significant frequency in large population cohorts (gnomAD); This variant is associated with the following publications: (PMID: 30731082, 10465120, 10391212, 11527933, Lafont[article]2011)

Blueprint Genetics
Classification: Pathogenic for RP1-related disorders. Last evaluated: 2022-06-24. Review status: criteria provided, single submitter. Criteria: ACMG Guidelines, 2015. Collection method: clinical testing. Allele origin: germline. Affected: yes. Observed: 2 variant alleles.

Genetics and Molecular Pathology, SA Pathology
Classification: Pathogenic for Retinitis pigmentosa 1. Last evaluated: 2020-07-24. Review status: criteria provided, single submitter. Criteria: ACMG Guidelines, 2015. Collection method: clinical testing. Allele origin: germline. Affected: yes.

OMIM
Classification: Pathogenic for RETINITIS PIGMENTOSA 1. Last evaluated: 1999-08-01. Review status: no assertion criteria provided. Collection method: literature only. Allele origin: germline. Not counted in ClinVar's aggregate classification.

Literature cited by the submitters: PubMed 11527933 (cited by Labcorp Genetics (formerly Invitae), Labcorp); PubMed 19933189 (cited by Labcorp Genetics (formerly Invitae), Labcorp); PubMed 29425069 (cited by Labcorp Genetics (formerly Invitae), Labcorp); PubMed 30027431 (cited by Labcorp Genetics (formerly Invitae), Labcorp); PubMed 33681214 (cited by Labcorp Genetics (formerly Invitae), Labcorp); PubMed 10391212 (cited by Labcorp Genetics (formerly Invitae), Labcorp and OMIM); PubMed 10465120 (cited by OMIM).

NM_006269.2(RP1):c.2035C>T (p.Gln679Ter)

Gene: RP1 (RP1 axonemal microtubule associated; plus strand). Cytogenetic location: 8q12.1.
Variant type: single nucleotide variant.
Coding change: c.2035C>T on transcript NM_006269.2 (MANE Select); coding-DNA position 2035, C replaced by T.
Protein change: p.Gln679Ter; replaces glutamine 679 with a stop codon.
Molecular consequence: nonsense.
Genome position (GRCh38, 1-based): chr8:54,625,917, C>T. VCF-style: chr8-54625917-C-T. GRCh37 (hg19) VCF-style: chr8-55538477-C-T.
Other names: short protein forms Q679*.
Identifiers: ClinVar variation 5968 (VCV000005968.11), dbSNP rs104894083, ClinGen allele CA253667.